The following is an entry in ClinVar:

ClinVar aggregate classification (germline): Uncertain significance. Review status: criteria provided, multiple submitters, no conflicts (2 of 4 stars). 2 submissions from 2 submitters: Uncertain significance (2). Last evaluated 2025-11-10.

Conditions:
DICER1-related tumor predisposition. Also called: DICER1 syndrome; DICER1-related pleuropulmonary blastoma cancer predisposition syndrome. Identifiers: Orphanet 284343, MedGen C3839822, MONDO:0100216.
Hereditary cancer-predisposing syndrome. Also called: Neoplastic Syndromes, Hereditary; Hereditary Cancer Syndrome; Tumor predisposition; Hereditary neoplastic syndrome. Identifiers: Orphanet 140162, MedGen C0027672, MeSH D009386, MONDO:0015356.

Allele frequency attached by ClinVar (database versions not stated): gnomAD exomes below 0.00001 and 0.00001; TOPMed below 0.00001.
gnomAD v4.1: 3 of 1,614,206 alleles (0.00019%); highest among the groups gnomAD compares: South Asian, 0.0033%; no homozygotes.

Submissions (2):

Labcorp Genetics (formerly Invitae), Labcorp
Classification: Uncertain significance for DICER1-related tumor predisposition. Last evaluated: 2025-11-10. Review status: criteria provided, single submitter. Criteria: Invitae Variant Classification Sherloc (09022015). Collection method: clinical testing. Allele origin: germline.
Comment: This sequence change replaces asparagine, which is neutral and polar, with aspartic acid, which is acidic and polar, at codon 1193 of the DICER1 protein (p.Asn1193Asp). This variant is present in population databases (no rsID available, gnomAD 0.003%). This variant has not been reported in the literature in individuals affected with DICER1-related conditions. ClinVar contains an entry for this variant (Variation ID: 1507960). Invitae Evidence Modeling of protein sequence and biophysical properties (such as structural, functional, and spatial information, amino acid conservation, physicochemical variation, residue mobility, and thermodynamic stability) indicates that this missense variant is not expected to disrupt DICER1 protein function with a negative predictive value of 95%. In summary, the available evidence is currently insufficient to determine the role of this variant in disease. Therefore, it has been classified as a Variant of Uncertain Significance.

Ambry Genetics
Classification: Uncertain significance for Hereditary cancer-predisposing syndrome. Last evaluated: 2023-11-12. Review status: criteria provided, single submitter. Criteria: Ambry Variant Classification Scheme 2023. Collection method: clinical testing. Allele origin: germline.
Comment: The p.N1193D variant (also known as c.3577A>G), located in coding exon 20 of the DICER1 gene, results from an A to G substitution at nucleotide position 3577. The asparagine at codon 1193 is replaced by aspartic acid, an amino acid with highly similar properties. This amino acid position is conserved. In addition, this alteration is predicted to be tolerated by in silico analysis. Since supporting evidence is limited at this time, the clinical significance of this alteration remains unclear.

NM_177438.3(DICER1):c.3577A>G (p.Asn1193Asp)

Gene: DICER1 (dicer 1, ribonuclease III; minus strand). Cytogenetic location: 14q32.13.
Variant type: single nucleotide variant.
Coding change: c.3577A>G on transcript NM_177438.3 (MANE Select); coding-DNA position 3577, A replaced by G.
Protein change: p.Asn1193Asp; replaces asparagine 1193 with aspartic acid.
Molecular consequence: missense variant.
Genome position (GRCh38, 1-based): chr14:95,103,819, T>C on the plus strand (A>G on the coding strand, the complement: DICER1 is on the minus strand). VCF-style: chr14-95103819-T-C. GRCh37 (hg19) VCF-style: chr14-95570156-T-C.
Other names: c.3577A>G, p.Asn1193Asp (NM_001195573.1, NM_001271282.3, NM_001291628.2 and 1 more transcripts); c.3577A>G (NM_177438.2); short protein forms N1193D.
Identifiers: ClinVar variation 1507960 (VCV001507960.8), dbSNP rs1383245596, ClinGen allele CA390874853.
Genomic context (GRCh38, chr14:95,103,819, plus strand): 5'-GTTGCACGGGTATTTCCTGCTTGTAGTAATTTAGCTGATTTCCTTGGCAAAAGTCTCTGT[T>C]AGCTAAATCATAACTGCCATTGGCGAGATTTTGATTGTAAGAAAGACCATTAATTGCTGT-3'
Protein context (NP_803187.1, residues 1183-1203): NLANGSYDLA[Asn1193Asp]RDFCQGNQLN